The following is an entry in ClinVar:

ClinVar aggregate classification (germline): Uncertain significance (1 of 4 stars; one submission).

Allele frequency attached by ClinVar (database versions not stated): gnomAD 0.00001; gnomAD exomes 0.00001; TOPMed 0.00002.
gnomAD v4.1: 17 of 1,613,320 alleles (0.0011%); highest among the groups gnomAD compares: Non-Finnish European, 0.0014%; no homozygotes.

Submission:

Labcorp Genetics (formerly Invitae), Labcorp
Classification: Uncertain significance. Last evaluated: 2026-01-18. Review status: criteria provided, single submitter. Criteria: Invitae Variant Classification Sherloc (09022015). Collection method: clinical testing. Allele origin: germline.
Comment: This sequence change replaces aspartic acid, which is acidic and polar, with glutamic acid, which is acidic and polar, at codon 373 of the ITGAM protein (p.Asp373Glu). This variant is not present in population databases (gnomAD no frequency). This variant has not been reported in the literature in individuals affected with ITGAM-related conditions. ClinVar contains an entry for this variant (Variation ID: 1406034). An algorithm developed to predict the effect of missense changes on protein structure and function (PolyPhen-2) suggests that this variant is likely to be disruptive. In summary, the available evidence is currently insufficient to determine the role of this variant in disease. Therefore, it has been classified as a Variant of Uncertain Significance.

NM_000632.4(ITGAM):c.1119C>A (p.Asp373Glu)

Gene: ITGAM (integrin subunit alpha M; plus strand). Cytogenetic location: 16p11.2.
Variant type: single nucleotide variant.
Coding change: c.1119C>A on transcript NM_000632.4 (MANE Select); coding-DNA position 1119, C replaced by A.
Protein change: p.Asp373Glu; replaces aspartic acid 373 with glutamic acid.
Molecular consequence: missense variant.
Genome position (GRCh38, 1-based): chr16:31,276,955, C>A. VCF-style: chr16-31276955-C-A. GRCh37 (hg19) VCF-style: chr16-31288276-C-A.
Other names: c.1119C>A, p.Asp373Glu (NM_001145808.2); short protein forms D373E.
Identifiers: ClinVar variation 1406034 (VCV001406034.8), dbSNP rs1032962835, ClinGen allele CA280606015.